The following is an entry in ClinVar:

ClinVar aggregate classification (germline): Likely benign (1 of 4 stars; one submission).

Allele frequency attached by ClinVar (database versions not stated): gnomAD exomes 0.00086; gnomAD 0.00868 and 0.00929; TOPMed 0.00977; 1000 Genomes Project 0.01058; 1000 Genomes Project 30x 0.01077.
gnomAD v4.1: 1,542 of 384,688 alleles (0.4%); highest among the groups gnomAD compares: African/African-American, 2.9%; 22 homozygotes.

Submission:

GeneDx
Classification: Likely benign. Last evaluated: 2018-06-14. Review status: criteria provided, single submitter. Criteria: GeneDx Variant Classification (06012015). Collection method: clinical testing. Allele origin: germline. Affected: yes.
Comment: This variant is considered likely benign or benign based on one or more of the following criteria: it is a conservative change, it occurs at a poorly conserved position in the protein, it is predicted to be benign by multiple in silico algorithms, and/or has population frequency not consistent with disease.

NM_001035.3(RYR2):c.309+138A>G

Gene: RYR2 (ryanodine receptor 2; plus strand). Cytogenetic location: 1q43.
Variant type: single nucleotide variant.
Coding change: c.309+138A>G on transcript NM_001035.3 (MANE Select); 138 bases into the intron after coding-DNA position 309, A replaced by G.
Molecular consequence: intron variant.
Genome position (GRCh38, 1-based): chr1:237,364,510, A>G. VCF-style: chr1-237364510-A-G. GRCh37 (hg19) VCF-style: chr1-237527810-A-G.
Identifiers: ClinVar variation 673735 (VCV000673735.1), dbSNP rs147298920, ClinGen allele CA40012006.